The following is an entry in ClinVar:

ClinVar aggregate classification (germline): Uncertain significance (1 of 4 stars; one submission).

Conditions:
Intellectual developmental disorder, autosomal dominant 1. Also called: Intellectual disability, autosomal dominant 1; MBD5 Haploinsufficiency. Identifiers: Orphanet 228402, MedGen C1969562, MONDO:0007974, OMIM 156200.

Allele frequency attached by ClinVar (database versions not stated): gnomAD exomes 0.00001.
gnomAD v4.1: 3 of 1,614,184 alleles (0.00019%); highest among the groups gnomAD compares: East Asian, 0.0067%; no homozygotes.

Submission:

Labcorp Genetics (formerly Invitae), Labcorp
Classification: Uncertain significance for Intellectual developmental disorder, autosomal dominant 1. Last evaluated: 2023-05-08. Review status: criteria provided, single submitter. Criteria: Invitae Variant Classification Sherloc (09022015). Collection method: clinical testing. Allele origin: germline.
Comment: This sequence change replaces glutamic acid, which is acidic and polar, with lysine, which is basic and polar, at codon 1316 of the MBD5 protein (p.Glu1316Lys). Experimental studies and prediction algorithms are not available or were not evaluated, and the functional significance of this variant is currently unknown. ClinVar contains an entry for this variant (Variation ID: 2056316). This variant has not been reported in the literature in individuals affected with MBD5-related conditions. This variant is present in population databases (no rsID available, gnomAD 0.01%). In summary, the available evidence is currently insufficient to determine the role of this variant in disease. Therefore, it has been classified as a Variant of Uncertain Significance.

NM_001378120.1(MBD5):c.4645G>A (p.Glu1549Lys)

Gene: MBD5 (methyl-CpG binding domain protein 5; plus strand). Cytogenetic location: 2q23.1.
Variant type: single nucleotide variant.
Coding change: c.4645G>A on transcript NM_001378120.1 (MANE Select); coding-DNA position 4645, G replaced by A.
Protein change: p.Glu1549Lys; replaces glutamic acid 1549 with lysine.
Molecular consequence: missense variant.
Genome position (GRCh38, 1-based): chr2:148,490,277, G>A. VCF-style: chr2-148490277-G-A. GRCh37 (hg19) VCF-style: chr2-149247846-G-A.
Other names: c.3946G>A, p.Glu1316Lys (NM_018328.5); short protein forms E1316K, E1549K.
Identifiers: ClinVar variation 2056316 (VCV002056316.4), dbSNP rs1377447111, ClinGen allele CA348729892.